The following is an entry in ClinVar:

ClinVar aggregate classification (germline): Benign. Review status: criteria provided, multiple submitters, no conflicts (2 of 4 stars). 3 submissions from 3 submitters: Benign (2). 1 of the submissions does not count toward it. Last evaluated 2026-01-26.

Conditions:
AKAP9-related disorder. Also called: AKAP9-related condition.
Long QT syndrome (LQTS). Identifiers: MedGen C0023976, MeSH D008133, MONDO:0002442. Disease mechanism: loss of function. Inheritance: Various modes of inheritance.
Cardiovascular phenotype. Identifiers: MedGen CN230736.

Allele frequency attached by ClinVar (database versions not stated): 1000 Genomes Project 30x 0.00016; 1000 Genomes Project 0.00020; ESP Exome Variant Server 0.00023; TOPMed 0.00023; gnomAD 0.00024 and 0.00026; gnomAD exomes 0.00025 and 0.00036; ExAC 0.00029.
gnomAD v4.1: 418 of 1,613,872 alleles (0.026%); highest among the groups gnomAD compares: South Asian, 0.13%; 3 homozygotes.

Submissions (3):

Labcorp Genetics (formerly Invitae), Labcorp
Classification: Benign for Long QT syndrome. Last evaluated: 2026-01-26. Review status: criteria provided, single submitter. Criteria: Invitae Variant Classification Sherloc (09022015). Collection method: clinical testing. Allele origin: germline.

Ambry Genetics
Classification: Benign for Cardiovascular phenotype. Last evaluated: 2020-03-06. Review status: criteria provided, single submitter. Criteria: Ambry Variant Classification Scheme 2023. Collection method: clinical testing. Allele origin: germline.

PreventionGenetics, part of Exact Sciences
Classification: Likely benign for AKAP9-related condition. Last evaluated: 2019-03-15. Review status: no assertion criteria provided. Collection method: clinical testing. Allele origin: germline. Not counted in ClinVar's aggregate classification.
Comment: This variant is classified as likely benign based on ACMG/AMP sequence variant interpretation guidelines (Richards et al. 2015 PMID: 25741868, with internal and published modifications).

NM_005751.5(AKAP9):c.5895G>A (p.Glu1965=)

Gene: AKAP9 (A-kinase anchoring protein 9; plus strand). Cytogenetic location: 7q21.2.
Variant type: single nucleotide variant.
Coding change: c.5895G>A on transcript NM_005751.5 (MANE Select); coding-DNA position 5895, G replaced by A.
Protein change: p.Glu1965=; no amino-acid change (glutamic acid 1965 retained).
Molecular consequence: synonymous variant.
Genome position (GRCh38, 1-based): chr7:92,062,404, G>A. VCF-style: chr7-92062404-G-A. GRCh37 (hg19) VCF-style: chr7-91691718-G-A.
Other names: c.540G>A, p.Glu180= (NM_001379277.1); c.5895G>A, p.Glu1965= (NM_147185.3).
Identifiers: ClinVar variation 360833 (VCV000360833.18), dbSNP rs138928104, ClinGen allele CA4336943.